The following is an entry in ClinVar:

ClinVar aggregate classification (germline): Pathogenic (1 of 4 stars; one submission).

Conditions:
Aicardi-Goutieres syndrome 2. Identifiers: Orphanet 51, MedGen C3489724, MONDO:0012429, OMIM 610181.

Submission:

Labcorp Genetics (formerly Invitae), Labcorp
Classification: Pathogenic for Aicardi-Goutieres syndrome 2. Last evaluated: 2024-01-08. Review status: criteria provided, single submitter. Criteria: Invitae Variant Classification Sherloc (09022015). Collection method: clinical testing. Allele origin: germline.
Comment: This sequence change creates a premature translational stop signal (p.Val17Thrfs*9) in the RNASEH2B gene. It is expected to result in an absent or disrupted protein product. Loss-of-function variants in RNASEH2B are known to be pathogenic (PMID: 17846997). This variant is not present in population databases (gnomAD no frequency). This variant has not been reported in the literature in individuals affected with RNASEH2B-related conditions. For these reasons, this variant has been classified as Pathogenic.

Literature cited by the submitters: PubMed 17846997.

NM_024570.4(RNASEH2B):c.47_48dup (p.Val17fs)

Genes: RNASEH2B (ribonuclease H2 subunit B; plus strand), RNASEH2B-AS1 (RNASEH2B antisense RNA 1; minus strand), LOC130009810 (ATAC-STARR-seq lymphoblastoid silent region 5362; plus strand). Cytogenetic location: 13q14.3.
Variant type: Duplication.
Coding change: c.47_48dup on transcript NM_024570.4 (MANE Select); coding-DNA positions 47 to 48, 2 bases duplicated (AC; older notation c.47_48dupAC).
Protein change: p.Val17fs; shifts the reading frame from valine 17.
Molecular consequence: frameshift variant.
Genome position (GRCh38, 1-based): chr13:50,910,123-50,910,124, AC duplicated; duplicating any 2 consecutive bases within chr13:50,910,122-50,910,124 gives the same sequence; the c. name uses the placement nearest the transcript's 3' end. VCF-style (leftmost placement, unchanged base first): chr13-50910121-G-GCA. GRCh37 (hg19) VCF-style: chr13-51484257-G-GCA.
Other names: c.47_48dup, p.Val17fs (NM_001142279.2, NM_001411023.1); short protein forms V17fs.
Identifiers: ClinVar variation 2708280 (VCV002708280.3), dbSNP rs2541620694, ClinGen allele CA2697551909.